The following is an entry in ClinVar:

ClinVar aggregate classification (germline): Likely benign. Review status: criteria provided, multiple submitters, no conflicts (2 of 4 stars). 4 submissions from 4 submitters: Likely benign (4). Last evaluated 2025-07-14.

Conditions:
Cowden syndrome (CS). Also called: Cowden's disease; Cowden's syndrome; Cowden disease. Identifiers: Orphanet 201, MedGen C0018553, MONDO:0016063. Disease mechanism: gain of function.
Cowden syndrome 1 (CWS1). Also called: PTEN-Related Cowden Syndrome. Identifiers: MedGen CN072330, MONDO:0008021, OMIM 158350. Disease mechanism: gain of function.
Inborn genetic diseases. Identifiers: MedGen C0950123, MeSH D030342.

Allele frequency attached by ClinVar (database versions not stated): gnomAD exomes 0.00001 and 0.00005; TOPMed 0.00001; ExAC 0.00002; gnomAD 0.00002 and 0.00003; 1000 Genomes Project 30x 0.00016; 1000 Genomes Project 0.00020.
gnomAD v4.1: 70 of 1,496,816 alleles (0.0047%); highest among the groups gnomAD compares: Non-Finnish European, 0.0059%; no homozygotes.

Submissions (4):

Labcorp Genetics (formerly Invitae), Labcorp
Classification: Likely benign for Cowden syndrome. Last evaluated: 2025-07-14. Review status: criteria provided, single submitter. Criteria: Invitae Variant Classification Sherloc (09022015). Collection method: clinical testing. Allele origin: germline.

CeGaT Center for Human Genetics Tuebingen
Classification: Likely benign. Last evaluated: 2022-06-01. Review status: criteria provided, single submitter. Criteria: CeGaT Center For Human Genetics Tuebingen Variant Classification Criteria Version 2. Collection method: clinical testing. Allele origin: germline. Affected: yes. Observed: 1 variant allele.
Comment: PIK3CA: BP4, BP7

Ambry Genetics
Classification: Likely benign for Inborn genetic diseases. Last evaluated: 2022-02-14. Review status: criteria provided, single submitter. Criteria: Ambry Variant Classification Scheme 2023. Collection method: clinical testing. Allele origin: germline.

Mendelics
Classification: Likely benign for Cowden syndrome 1. Last evaluated: 2019-05-28. Review status: criteria provided, single submitter. Criteria: Mendelics Assertion Criteria 2017. Collection method: clinical testing. Allele origin: unknown.

NM_006218.4(PIK3CA):c.1767T>C (p.Asp589=)

Gene: PIK3CA (phosphatidylinositol-4,5-bisphosphate 3-kinase catalytic subunit alpha; plus strand). Cytogenetic location: 3q26.32.
Variant type: single nucleotide variant.
Coding change: c.1767T>C on transcript NM_006218.4 (MANE Select); coding-DNA position 1767, T replaced by C.
Protein change: p.Asp589=; no amino-acid change (aspartic acid 589 retained).
Molecular consequence: synonymous variant.
Genome position (GRCh38, 1-based): chr3:179,219,591, T>C. VCF-style: chr3-179219591-T-C. GRCh37 (hg19) VCF-style: chr3-178937379-T-C.
Identifiers: ClinVar variation 698506 (VCV000698506.38), dbSNP rs199540873, ClinGen allele CA2710804.